The following is an entry in ClinVar:

ClinVar aggregate classification (germline): Pathogenic (1 of 4 stars; one submission).

Conditions:
Hereditary hemorrhagic telangiectasia (HHT). Also called: ORW DISEASE; Osler Weber Rendu syndrome; OSLER-RENDU-WEBER DISEASE; Osler hemorrhagic telangiectasia syndrome. Identifiers: Orphanet 774, MedGen C0039445, MONDO:0019180. Disease mechanism: loss of function.

Submission:

Labcorp Genetics (formerly Invitae), Labcorp
Classification: Pathogenic for Hereditary hemorrhagic telangiectasia. Last evaluated: 2025-12-08. Review status: criteria provided, single submitter. Criteria: Invitae Variant Classification Sherloc (09022015). Collection method: clinical testing. Allele origin: germline.
Comment: This sequence change creates a premature translational stop signal (p.Gln77Alafs*71) in the ENG gene. It is expected to result in an absent or disrupted protein product. Loss-of-function variants in ENG are known to be pathogenic (PMID: 15879500). This variant is not present in population databases (gnomAD no frequency). This variant has not been reported in the literature in individuals affected with ENG-related conditions. For these reasons, this variant has been classified as Pathogenic.

Literature cited by the submitters: PubMed 15879500.

NM_001114753.3(ENG):c.229_230del (p.Gln77fs)

Gene: ENG (endoglin; minus strand). Cytogenetic location: 9q34.11.
Variant type: Microsatellite.
Coding change: c.229_230del on transcript NM_001114753.3 (MANE Select); coding-DNA positions 229 to 230, 2 bases deleted (CA; older notation c.229_230delCA).
Protein change: p.Gln77fs; shifts the reading frame from glutamine 77.
Molecular consequence: frameshift variant. On other transcripts: 5 prime UTR variant (1).
Genome position (GRCh38, 1-based): chr9:127,829,817-127,829,818, TG deleted on the plus strand (CA on the coding strand, the reverse complement: ENG is on the minus strand); deleting any 2 consecutive bases within chr9:127,829,817-127,829,820 gives the same sequence; the c. name uses the placement nearest the transcript's 3' end. VCF-style (leftmost placement, unchanged base first): chr9-127829816-CTG-C. GRCh37 (hg19) VCF-style: chr9-130592095-CTG-C.
Other names: c.229_230del, p.Gln77fs (NM_000118.4, NM_001406715.1); c.-320CA[1] (NM_001278138.2); short protein forms Q77fs.
Identifiers: ClinVar variation 4732697 (VCV004732697.1).